The following is an entry in ClinVar:

NM_001378454.1(ALMS1):c.6071A>C (p.Lys2024Thr)

Gene: ALMS1 (ALMS1 centrosome and basal body associated protein; plus strand). Cytogenetic location: 2p13.1.
Variant type: single nucleotide variant.
Coding change: c.6071A>C on transcript NM_001378454.1 (MANE Select); coding-DNA position 6071, A replaced by C.
Protein change: p.Lys2024Thr; replaces lysine 2024 with threonine.
Molecular consequence: missense variant.
Genome position (GRCh38, 1-based): chr2:73,452,598, A>C. VCF-style: chr2-73452598-A-C. GRCh37 (hg19) VCF-style: chr2-73679725-A-C.
Other names: c.6074A>C, p.Lys2025Thr (NM_015120.4); short protein forms K2025T, K2024T.
Identifiers: ClinVar variation 506237 (VCV000506237.6), dbSNP rs369339997, ClinGen allele CA1713995.

ClinVar aggregate classification (germline): Conflicting classifications of pathogenicity. Review status: criteria provided, conflicting classifications (1 of 4 stars). 3 submissions from 3 submitters: Uncertain significance (1); Likely benign (1). 1 of the submissions does not count toward it. Last evaluated 2026-01-06.

Conditions:
Cardiovascular phenotype. Identifiers: MedGen CN230736.
Alstrom syndrome (ALMS). Identifiers: Orphanet 64, MedGen C0268425, MONDO:0008763, OMIM 203800.

Allele frequency attached by ClinVar (database versions not stated): ExAC 0.00001; gnomAD exomes 0.00001; 1000 Genomes Project 30x 0.00016; 1000 Genomes Project 0.00020.
gnomAD v4.1: 25 of 1,614,130 alleles (0.0015%); highest among the groups gnomAD compares: South Asian, 0.026%; 1 homozygote.

Submissions (3):

Ambry Genetics
Classification: Likely benign for Cardiovascular phenotype. Last evaluated: 2026-01-06. Review status: criteria provided, single submitter. Criteria: Ambry Variant Classification Scheme 2023. Collection method: clinical testing. Allele origin: germline.

Laboratory for Molecular Medicine, Mass General Brigham Personalized Medicine
Classification: Uncertain significance. Last evaluated: 2018-01-09. Review status: criteria provided, single submitter. Criteria: LMM Criteria. Collection method: clinical testing. Allele origin: germline. Observed: 1 variant allele.
Comment: The p.Lys2025Thr variant in ALMS1 has not been previously reported in individual s with hearing loss, but has been identified in 3/30778 South Asian chromosomes by the Genome Aggregation Database (gnomAD; db SNP rs369339997). Computational prediction tools and conservation analyses do no t provide strong support for or against an impact to the protein. In summary, th e clinical significance of the p.Lys2023Thr variant is uncertain. ACMG/AMP Crite ria applied: none.

Natera, Inc.
Classification: Uncertain significance for Alstrom syndrome. Last evaluated: 2019-10-28. Review status: no assertion criteria provided. Collection method: clinical testing. Allele origin: germline. Not counted in ClinVar's aggregate classification.